The following is an entry in ClinVar:

ClinVar aggregate classification (germline): Uncertain significance (1 of 4 stars; one submission).

Submission:

Labcorp Genetics (formerly Invitae), Labcorp
Classification: Uncertain significance. Last evaluated: 2023-04-27. Review status: criteria provided, single submitter. Criteria: Invitae Variant Classification Sherloc (09022015). Collection method: clinical testing. Allele origin: germline.
Comment: In summary, the available evidence is currently insufficient to determine the role of this variant in disease. Therefore, it has been classified as a Variant of Uncertain Significance. An algorithm developed to predict the effect of missense changes on protein structure and function (PolyPhen-2) suggests that this variant is likely to be disruptive. This variant has not been reported in the literature in individuals affected with COL11A2-related conditions. This variant is not present in population databases (gnomAD no frequency). This sequence change replaces glycine, which is neutral and non-polar, with valine, which is neutral and non-polar, at codon 640 of the COL11A2 protein (p.Gly640Val).

NM_080680.3(COL11A2):c.1919G>T (p.Gly640Val)

Gene: COL11A2 (collagen type XI alpha 2 chain; minus strand). Cytogenetic location: 6p21.32.
Variant type: single nucleotide variant.
Coding change: c.1919G>T on transcript NM_080680.3 (MANE Select); coding-DNA position 1919, G replaced by T.
Protein change: p.Gly640Val; replaces glycine 640 with valine.
Molecular consequence: missense variant. On other transcripts: 5 prime UTR variant (1).
Genome position (GRCh38, 1-based): chr6:33,177,464, C>A on the plus strand (G>T on the coding strand, the complement: COL11A2 is on the minus strand). VCF-style: chr6-33177464-C-A. GRCh37 (hg19) VCF-style: chr6-33145241-C-A.
Other names: c.1739G>T, p.Gly580Val (NM_001424108.1); c.1073G>T, p.Gly358Val (NM_001424109.1); c.893G>T, p.Gly298Val (NM_001424110.1, NM_001424111.1); c.-128G>T (NM_001424112.1); c.1598G>T, p.Gly533Val (NM_080679.3); c.1661G>T, p.Gly554Val (NM_080681.3); short protein forms G358V, G554V, G580V, G298V, G640V, G533V.
Identifiers: ClinVar variation 2987600 (VCV002987600.3), dbSNP rs2150573001, ClinGen allele CA363654858.